The following is an entry in ClinVar:

NM_003835.4(RGS9):c.371A>C (p.Tyr124Ser)

Gene: RGS9 (regulator of G protein signaling 9; plus strand). Cytogenetic location: 17q24.1.
Variant type: single nucleotide variant.
Coding change: c.371A>C on transcript NM_003835.4 (MANE Select); coding-DNA position 371, A replaced by C.
Protein change: p.Tyr124Ser; replaces tyrosine 124 with serine.
Molecular consequence: missense variant.
Genome position (GRCh38, 1-based): chr17:65,160,857, A>C. VCF-style: chr17-65160857-A-C. GRCh37 (hg19) VCF-style: chr17-63156975-A-C.
Other names: c.371A>C, p.Tyr124Ser (NM_001081955.3, NM_001165933.2); short protein forms Y124S.
Identifiers: ClinVar variation 2038988 (VCV002038988.4), dbSNP rs772849558, ClinGen allele CA400664666.
Genomic context (GRCh38, chr17:65,160,857, plus strand): 5'-GCAGATGGGGTTTTGAAAGATGATGATGGAAAATGTCATTGCTTTCTTTTCCAGCCATCT[A>C]TCTGGCCAAGCGAAATATCAAAAAGAAAGGGATTTTGGAAGAATATGAAAAGGTATGGAG-3'
Protein context (NP_003826.2, residues 114-134): WPAEDTDYAI[Tyr124Ser]LAKRNIKKKG

ClinVar aggregate classification (germline): Uncertain significance (1 of 4 stars; one submission).

Allele frequency attached by ClinVar (database versions not stated): gnomAD 0.00001.
gnomAD v4.1: 1 of 1,613,882 alleles (0.000062%); highest among the groups gnomAD compares: Non-Finnish European, 0.000085%; no homozygotes.

Submission:

Labcorp Genetics (formerly Invitae), Labcorp
Classification: Uncertain significance. Last evaluated: 2023-06-13. Review status: criteria provided, single submitter. Criteria: Invitae Variant Classification Sherloc (09022015). Collection method: clinical testing. Allele origin: germline.
Comment: In summary, the available evidence is currently insufficient to determine the role of this variant in disease. Therefore, it has been classified as a Variant of Uncertain Significance. Advanced modeling of protein sequence and biophysical properties (such as structural, functional, and spatial information, amino acid conservation, physicochemical variation, residue mobility, and thermodynamic stability) performed at Invitae indicates that this missense variant is not expected to disrupt RGS9 protein function. ClinVar contains an entry for this variant (Variation ID: 2038988). This variant has not been reported in the literature in individuals affected with RGS9-related conditions. This variant is not present in population databases (gnomAD no frequency). This sequence change replaces tyrosine, which is neutral and polar, with serine, which is neutral and polar, at codon 124 of the RGS9 protein (p.Tyr124Ser).